The following is an entry in ClinVar:

ClinVar aggregate classification (germline): Uncertain significance. Review status: criteria provided, single submitter (1 of 4 stars). 2 submissions from 2 submitters: Uncertain significance (1). 1 of the submissions does not count toward it. Last evaluated 2022-10-13.

Conditions:
Mucopolysaccharidosis, MPS-III-C (MPS3C). Also called: MPS IIIC (Sanfilippo Syndrome Type C); MUCOPOLYSACCHARIDOSIS, TYPE IIIC; Mucopolysaccharidosis type IIIC (Sanfilippo C); mucopolysaccharidosis type 3C; SANFILIPPO SYNDROME C; MPS III C. Identifiers: Orphanet 581, Orphanet 79271, MedGen C0086649, MONDO:0009657, OMIM 252930.
Retinitis pigmentosa 73 (RP73). Identifiers: Orphanet 791, MedGen C4225287, MONDO:0014687, OMIM 616544.

Allele frequency attached by ClinVar (database versions not stated): TOPMed below 0.00001.

Submissions (2):

Labcorp Genetics (formerly Invitae), Labcorp
Classification: Uncertain significance for Retinitis pigmentosa 73; Mucopolysaccharidosis, MPS-III-C. Last evaluated: 2022-10-13. Review status: criteria provided, single submitter. Criteria: Invitae Variant Classification Sherloc (09022015). Collection method: clinical testing. Allele origin: germline.
Comment: This sequence change replaces tyrosine, which is neutral and polar, with cysteine, which is neutral and slightly polar, at codon 574 of the HGSNAT protein (p.Tyr574Cys). This variant is not present in population databases (gnomAD no frequency). This variant has not been reported in the literature in individuals affected with HGSNAT-related conditions. ClinVar contains an entry for this variant (Variation ID: 1057048). Advanced modeling of protein sequence and biophysical properties (such as structural, functional, and spatial information, amino acid conservation, physicochemical variation, residue mobility, and thermodynamic stability) performed at Invitae indicates that this missense variant is expected to disrupt HGSNAT protein function. In summary, the available evidence is currently insufficient to determine the role of this variant in disease. Therefore, it has been classified as a Variant of Uncertain Significance.

Natera, Inc.
Classification: Uncertain significance for Mucopolysaccharidosis type IIIC. Last evaluated: 2020-12-17. Review status: no assertion criteria provided. Collection method: clinical testing. Allele origin: germline. Not counted in ClinVar's aggregate classification.

NM_152419.3(HGSNAT):c.1721A>G (p.Tyr574Cys)

Gene: HGSNAT (heparan-alpha-glucosaminide N-acetyltransferase; plus strand). Cytogenetic location: 8p11.21.
Variant type: single nucleotide variant.
Coding change: c.1721A>G on transcript NM_152419.3 (MANE Select); coding-DNA position 1721, A replaced by G.
Protein change: p.Tyr574Cys; replaces tyrosine 574 with cysteine.
Molecular consequence: missense variant.
Genome position (GRCh38, 1-based): chr8:43,197,947, A>G. VCF-style: chr8-43197947-A-G. GRCh37 (hg19) VCF-style: chr8-43053090-A-G.
Other names: c.1808A>G, p.Tyr603Cys (NM_001363227.2); c.1529A>G, p.Tyr510Cys (NM_001363228.2); c.857A>G, p.Tyr286Cys (NM_001363229.2); short protein forms Y286C, Y510C, Y574C, Y603C.
Identifiers: ClinVar variation 1057048 (VCV001057048.3), dbSNP rs1177263214, ClinGen allele CA371120842.